The following is an entry in ClinVar:

ClinVar aggregate classification (germline): Uncertain significance (1 of 4 stars; one submission).

Allele frequency attached by ClinVar (database versions not stated): TOPMed 0.00001; gnomAD exomes 0.00014; gnomAD 0.00015 and 0.00016; 1000 Genomes Project 30x 0.00016; 1000 Genomes Project 0.00020; ExAC 0.00023.
gnomAD v4.1: 98 of 1,613,806 alleles (0.0061%); highest among the groups gnomAD compares: Non-Finnish European, 0.0074%; 1 homozygote.

Submission:

Labcorp Genetics (formerly Invitae), Labcorp
Classification: Uncertain significance. Last evaluated: 2021-08-04. Review status: criteria provided, single submitter. Criteria: Invitae Variant Classification Sherloc (09022015). Collection method: clinical testing. Allele origin: germline.
Comment: This sequence change replaces valine with methionine at codon 48 of the TUFM protein (p.Val48Met). The valine residue is moderately conserved and there is a small physicochemical difference between valine and methionine. This variant is present in population databases (rs553358911, ExAC 0.04%). This variant has not been reported in the literature in individuals affected with TUFM-related conditions. Algorithms developed to predict the effect of missense changes on protein structure and function are either unavailable or do not agree on the potential impact of this missense change (SIFT: "Deleterious"; PolyPhen-2: "Benign"; Align-GVGD: "Class C0"). In summary, the available evidence is currently insufficient to determine the role of this variant in disease. Therefore, it has been classified as a Variant of Uncertain Significance.

NM_003321.5(TUFM):c.142G>A (p.Val48Met)

Gene: TUFM (Tu translation elongation factor, mitochondrial; minus strand). Cytogenetic location: 16p11.2.
Variant type: single nucleotide variant.
Coding change: c.142G>A on transcript NM_003321.5 (MANE Select); coding-DNA position 142, G replaced by A.
Protein change: p.Val48Met; replaces valine 48 with methionine.
Molecular consequence: missense variant.
Genome position (GRCh38, 1-based): chr16:28,846,017, C>T on the plus strand (G>A on the coding strand, the complement: TUFM is on the minus strand). VCF-style: chr16-28846017-C-T. GRCh37 (hg19) VCF-style: chr16-28857338-C-T.
Other names: c.142G>A, p.Val48Met (NM_001365360.2); short protein forms V48M.
Identifiers: ClinVar variation 1447582 (VCV001447582.6), dbSNP rs553358911, ClinGen allele CA7985736.